The following is an entry in ClinVar:

ClinVar aggregate classification (germline): Uncertain significance. Review status: criteria provided, multiple submitters, no conflicts (2 of 4 stars). 2 submissions from 2 submitters: Uncertain significance (2). Last evaluated 2023-11-19.

Conditions:
Inborn genetic diseases. Identifiers: MedGen C0950123, MeSH D030342.

Allele frequency attached by ClinVar (database versions not stated): gnomAD exomes 0.00002 and 0.00003; ExAC 0.00003; gnomAD 0.00003; 1000 Genomes Project 30x 0.00031; 1000 Genomes Project 0.00040.

Submissions (2):

Labcorp Genetics (formerly Invitae), Labcorp
Classification: Uncertain significance. Last evaluated: 2023-11-19. Review status: criteria provided, single submitter. Criteria: Invitae Variant Classification Sherloc (09022015). Collection method: clinical testing. Allele origin: germline.
Comment: This sequence change replaces proline, which is neutral and non-polar, with threonine, which is neutral and polar, at codon 58 of the TNFAIP3 protein (p.Pro58Thr). This variant is present in population databases (rs529257107, gnomAD 0.02%). This variant has not been reported in the literature in individuals affected with TNFAIP3-related conditions. ClinVar contains an entry for this variant (Variation ID: 1496061). Advanced modeling of protein sequence and biophysical properties (such as structural, functional, and spatial information, amino acid conservation, physicochemical variation, residue mobility, and thermodynamic stability) performed at Invitae indicates that this missense variant is not expected to disrupt TNFAIP3 protein function with a negative predictive value of 80%. In summary, the available evidence is currently insufficient to determine the role of this variant in disease. Therefore, it has been classified as a Variant of Uncertain Significance.

Ambry Genetics
Classification: Uncertain significance for Inborn genetic diseases. Last evaluated: 2023-06-13. Review status: criteria provided, single submitter. Criteria: Ambry Variant Classification Scheme 2023. Collection method: clinical testing. Allele origin: germline.

NM_001270508.2(TNFAIP3):c.172C>A (p.Pro58Thr)

Gene: TNFAIP3 (TNF alpha induced protein 3; plus strand). Cytogenetic location: 6q23.3.
Variant type: single nucleotide variant.
Coding change: c.172C>A on transcript NM_001270508.2 (MANE Select); coding-DNA position 172, C replaced by A.
Protein change: p.Pro58Thr; replaces proline 58 with threonine.
Molecular consequence: missense variant.
Genome position (GRCh38, 1-based): chr6:137,871,399, C>A. VCF-style: chr6-137871399-C-A. GRCh37 (hg19) VCF-style: chr6-138192536-C-A.
Other names: c.172C>A, p.Pro58Thr (NM_001270507.2, NM_006290.4); c.172C>A (NM_006290.2); short protein forms P58T.
Identifiers: ClinVar variation 1496061 (VCV001496061.10), dbSNP rs529257107, ClinGen allele CA4019352.